The following is an entry in ClinVar:

NM_003265.3(TLR3):c.633G>C (p.Glu211Asp)

Gene: TLR3 (toll like receptor 3; plus strand). Cytogenetic location: 4q35.1.
Variant type: single nucleotide variant.
Coding change: c.633G>C on transcript NM_003265.3 (MANE Select); coding-DNA position 633, G replaced by C.
Protein change: p.Glu211Asp; replaces glutamic acid 211 with aspartic acid.
Molecular consequence: missense variant.
Genome position (GRCh38, 1-based): chr4:186,079,031, G>C. VCF-style: chr4-186079031-G-C. GRCh37 (hg19) VCF-style: chr4-187000185-G-C.
Other names: short protein forms E211D.
Identifiers: ClinVar variation 1002137 (VCV001002137.8), dbSNP rs1399238369, ClinGen allele CA359108495.

ClinVar aggregate classification (germline): Uncertain significance (1 of 4 stars; one submission).

Conditions:
Encephalopathy, acute, infection-induced (herpes-specific), susceptibility to, 1. Also called: Herpes simplex encephalitis, susceptibility to, 1. Identifiers: Orphanet 1930, MedGen C2750180, MONDO:0024563, OMIM 610551.

Allele frequency attached by ClinVar (database versions not stated): gnomAD exomes below 0.00001; TOPMed below 0.00001; gnomAD 0.00003.
gnomAD v4.1: 8 of 1,611,680 alleles (0.0005%); highest among the groups gnomAD compares: Non-Finnish European, 0.00068%; no homozygotes.

Submission:

Labcorp Genetics (formerly Invitae), Labcorp
Classification: Uncertain significance for Encephalopathy, acute, infection-induced (herpes-specific), susceptibility to, 1. Last evaluated: 2024-07-01. Review status: criteria provided, single submitter. Criteria: Invitae Variant Classification Sherloc (09022015). Collection method: clinical testing. Allele origin: germline.
Comment: This sequence change replaces glutamic acid, which is acidic and polar, with aspartic acid, which is acidic and polar, at codon 211 of the TLR3 protein (p.Glu211Asp). This variant also falls at the last nucleotide of exon 3, which is part of the consensus splice site for this exon. This variant is not present in population databases (gnomAD no frequency). This variant has not been reported in the literature in individuals affected with TLR3-related conditions. ClinVar contains an entry for this variant (Variation ID: 1002137). An algorithm developed to predict the effect of missense changes on protein structure and function (PolyPhen-2) suggests that this variant is likely to be tolerated. Variants that disrupt the consensus splice site are a relatively common cause of aberrant splicing (PMID: 17576681, 9536098). Algorithms developed to predict the effect of sequence changes on RNA splicing suggest that this variant may disrupt the consensus splice site. In summary, the available evidence is currently insufficient to determine the role of this variant in disease. Therefore, it has been classified as a Variant of Uncertain Significance.

Literature cited by the submitters: PubMed 17576681; PubMed 9536098.